The following is an entry in ClinVar:

ClinVar aggregate classification (germline): Likely benign (1 of 4 stars; one submission).

Allele frequency attached by ClinVar (database versions not stated): gnomAD exomes 0.00024; ExAC 0.00057; 1000 Genomes Project 0.00140; ESP Exome Variant Server 0.00164; 1000 Genomes Project 30x 0.00172; gnomAD 0.00245; TOPMed 0.00247.
gnomAD v4.1: 731 of 1,612,850 alleles (0.045%); highest among the groups gnomAD compares: African/African-American, 0.87%; 2 homozygotes.

Submission:

CeGaT Center for Human Genetics Tuebingen
Classification: Likely benign. Last evaluated: 2022-09-01. Review status: criteria provided, single submitter. Criteria: CeGaT Center For Human Genetics Tuebingen Variant Classification Criteria Version 2. Collection method: clinical testing. Allele origin: germline. Affected: yes. Observed: 1 variant allele.
Comment: MUC6: BP4, BP7

NM_005961.3(MUC6):c.2097C>T (p.Asp699=)

Gene: MUC6 (mucin 6, oligomeric mucus/gel-forming (gene/pseudogene); minus strand). Cytogenetic location: 11p15.5.
Variant type: single nucleotide variant.
Coding change: c.2097C>T on transcript NM_005961.3 (MANE Select); coding-DNA position 2097, C replaced by T.
Protein change: p.Asp699=; no amino-acid change (aspartic acid 699 retained).
Molecular consequence: synonymous variant.
Genome position (GRCh38, 1-based): chr11:1,027,402, G>A on the plus strand (C>T on the coding strand, the complement: MUC6 is on the minus strand). VCF-style: chr11-1027402-G-A. GRCh37 (hg19) VCF-style: chr11-1027402-G-A.
Identifiers: ClinVar variation 2641113 (VCV002641113.24), dbSNP rs150964791, ClinGen allele CA5797111.